The following is an entry in ClinVar:

NM_001242896.3(DEPDC5):c.2588T>C (p.Val863Ala)

Gene: DEPDC5 (DEP domain containing 5, GATOR1 subcomplex subunit; plus strand). Cytogenetic location: 22q12.3.
Variant type: single nucleotide variant.
Coding change: c.2588T>C on transcript NM_001242896.3 (MANE Select); coding-DNA position 2588, T replaced by C.
Protein change: p.Val863Ala; replaces valine 863 with alanine.
Molecular consequence: missense variant. On other transcripts: non-coding transcript variant (5).
Genome position (GRCh38, 1-based): chr22:31,843,167, T>C. VCF-style: chr22-31843167-T-C. GRCh37 (hg19) VCF-style: chr22-32239153-T-C.
Other names: c.2561T>C, p.Val854Ala (NM_001136029.4, NM_001369903.1, NM_014662.6); c.2354T>C, p.Val785Ala (NM_001242897.2, NM_001363854.2, NM_001364319.2); c.2588T>C, p.Val863Ala (NM_001363852.2, NM_001364318.2, NM_001364320.2); c.2504T>C, p.Val835Ala (NM_001369901.1, NM_001369902.1); c.2588T>C (NM_001242896.1); short protein forms V785A, V854A, V835A, V863A.
Identifiers: ClinVar variation 1443725 (VCV001443725.9), dbSNP rs1254155768, ClinGen allele CA411288965.

ClinVar aggregate classification (germline): Uncertain significance. Review status: criteria provided, multiple submitters, no conflicts (2 of 4 stars). 2 submissions from 2 submitters: Uncertain significance (2). Last evaluated 2025-05-25.

Conditions:
Familial focal epilepsy with variable foci (FPEVF). Identifiers: Orphanet 98820, MedGen C1858477, MONDO:0020310.

Allele frequency attached by ClinVar (database versions not stated): TOPMed 0.00001.

Submissions (2):

GeneDx
Classification: Uncertain significance. Last evaluated: 2025-05-25. Review status: criteria provided, single submitter. Criteria: GeneDx Variant Classification Process June 2021. Collection method: clinical testing. Allele origin: germline. Affected: yes.
Comment: Not observed at significant frequency in large population cohorts (gnomAD); In silico analysis supports that this missense variant has a deleterious effect on protein structure/function; Has not been previously published as pathogenic or benign to our knowledge

Labcorp Genetics (formerly Invitae), Labcorp
Classification: Uncertain significance for Familial focal epilepsy with variable foci. Last evaluated: 2023-10-04. Review status: criteria provided, single submitter. Criteria: Invitae Variant Classification Sherloc (09022015). Collection method: clinical testing. Allele origin: germline.
Comment: This sequence change replaces valine, which is neutral and non-polar, with alanine, which is neutral and non-polar, at codon 863 of the DEPDC5 protein (p.Val863Ala). This variant is not present in population databases (gnomAD no frequency). This variant has not been reported in the literature in individuals affected with DEPDC5-related conditions. ClinVar contains an entry for this variant (Variation ID: 1443725). Experimental studies and prediction algorithms are not available or were not evaluated, and the functional significance of this variant is currently unknown. In summary, the available evidence is currently insufficient to determine the role of this variant in disease. Therefore, it has been classified as a Variant of Uncertain Significance.